The following is an entry in ClinVar:

ClinVar aggregate classification (germline): Likely benign. Review status: criteria provided, multiple submitters, no conflicts (2 of 4 stars). 2 submissions from 2 submitters: Likely benign (2). Last evaluated 2024-10-23.

Conditions:
TNF receptor-associated periodic fever syndrome (TRAPS) (FPF). Also called: Autosomal Dominant Familial Periodic Fever; TNF Receptor-Associated Periodic Fever Syndrome; FAMILIAL HIBERNIAN FEVER; TNF RECEPTOR-ASSOCIATED PERIODIC SYNDROME; TUMOR NECROSIS FACTOR RECEPTOR-ASSOCIATED PERIODIC SYNDROME; TNF receptor 1-associated periodic fever syndrome. Identifiers: Orphanet 32960, MedGen C1275126, MONDO:0007727, OMIM 142680.

Allele frequency attached by ClinVar (database versions not stated): TOPMed below 0.00001; ExAC 0.00001; gnomAD 0.00001; gnomAD exomes 0.00001.
gnomAD v4.1: 11 of 1,482,250 alleles (0.00074%); highest among the groups gnomAD compares: Non-Finnish European, 0.00089%; no homozygotes.

Submissions (2):

Labcorp Genetics (formerly Invitae), Labcorp
Classification: Likely benign for TNF receptor-associated periodic fever syndrome (TRAPS). Last evaluated: 2024-10-23. Review status: criteria provided, single submitter. Criteria: Invitae Variant Classification Sherloc (09022015). Collection method: clinical testing. Allele origin: germline.

CeGaT Center for Human Genetics Tuebingen
Classification: Likely benign. Last evaluated: 2024-08-01. Review status: criteria provided, single submitter. Criteria: CeGaT Center For Human Genetics Tuebingen Variant Classification Criteria Version 2. Collection method: clinical testing. Allele origin: germline. Affected: yes. Observed: 1 variant allele.
Comment: TNFRSF1A: BP4, BP7

NM_001065.4(TNFRSF1A):c.1329C>A (p.Gly443=)

Gene: TNFRSF1A (TNF receptor superfamily member 1A; minus strand). Cytogenetic location: 12p13.31.
Variant type: single nucleotide variant.
Coding change: c.1329C>A on transcript NM_001065.4 (MANE Select); coding-DNA position 1329, C replaced by A.
Protein change: p.Gly443=; no amino-acid change (glycine 443 retained).
Molecular consequence: synonymous variant. On other transcripts: non-coding transcript variant (1).
Genome position (GRCh38, 1-based): chr12:6,329,351, G>T on the plus strand (C>A on the coding strand, the complement: TNFRSF1A is on the minus strand). VCF-style: chr12-6329351-G-T. GRCh37 (hg19) VCF-style: chr12-6438517-G-T.
Other names: c.1005C>A, p.Gly335= (NM_001346091.2); c.870C>A, p.Gly290= (NM_001346092.2).
Identifiers: ClinVar variation 749641 (VCV000749641.52), dbSNP rs756455040, ClinGen allele CA6405223.